The following is an entry in ClinVar:

ClinVar aggregate classification (germline): Uncertain significance (1 of 4 stars; one submission).

Allele frequency attached by ClinVar (database versions not stated): TOPMed 0.00001.
gnomAD v4.1: 9 of 1,607,552 alleles (0.00056%); highest among the groups gnomAD compares: Admixed American, 0.012%; no homozygotes.

Submission:

Labcorp Genetics (formerly Invitae), Labcorp
Classification: Uncertain significance. Last evaluated: 2025-05-25. Review status: criteria provided, single submitter. Criteria: Invitae Variant Classification Sherloc (09022015). Collection method: clinical testing. Allele origin: germline.
Comment: This sequence change replaces valine, which is neutral and non-polar, with leucine, which is neutral and non-polar, at codon 42 of the CACNA2D4 protein (p.Val42Leu). This variant is present in population databases (rs776658230, gnomAD 0.02%). This variant has not been reported in the literature in individuals affected with CACNA2D4-related conditions. ClinVar contains an entry for this variant (Variation ID: 961900). An algorithm developed to predict the effect of missense changes on protein structure and function (PolyPhen-2) suggests that this variant is likely to be tolerated. In summary, the available evidence is currently insufficient to determine the role of this variant in disease. Therefore, it has been classified as a Variant of Uncertain Significance.

NM_172364.5(CACNA2D4):c.124G>C (p.Val42Leu)

Gene: CACNA2D4 (calcium voltage-gated channel auxiliary subunit alpha2delta 4; minus strand). Cytogenetic location: 12p13.33.
Variant type: single nucleotide variant.
Coding change: c.124G>C on transcript NM_172364.5 (MANE Select); coding-DNA position 124, G replaced by C.
Protein change: p.Val42Leu; replaces valine 42 with leucine.
Molecular consequence: missense variant.
Genome position (GRCh38, 1-based): chr12:1,918,350, C>G on the plus strand (G>C on the coding strand, the complement: CACNA2D4 is on the minus strand). VCF-style: chr12-1918350-C-G. GRCh37 (hg19) VCF-style: chr12-2027516-C-G.
Other names: short protein forms V42L.
Identifiers: ClinVar variation 961900 (VCV000961900.9), dbSNP rs776658230, ClinGen allele CA6387674.